The following is an entry in ClinVar:

NM_014727.3(KMT2B):c.571C>T (p.Gln191Ter)

Gene: KMT2B (lysine methyltransferase 2B; plus strand). Cytogenetic location: 19q13.12.
Variant type: single nucleotide variant.
Coding change: c.571C>T on transcript NM_014727.3 (MANE Select); coding-DNA position 571, C replaced by T.
Protein change: p.Gln191Ter; replaces glutamine 191 with a stop codon.
Molecular consequence: nonsense.
Genome position (GRCh38, 1-based): chr19:35,719,918, C>T. VCF-style: chr19-35719918-C-T. GRCh37 (hg19) VCF-style: chr19-36210820-C-T.
Other names: short protein forms Q191*.
Identifiers: ClinVar variation 4820617 (VCV004820617.2).

ClinVar aggregate classification (germline): Pathogenic/Likely pathogenic. Review status: criteria provided, multiple submitters, no conflicts (2 of 4 stars). 2 submissions from 2 submitters: Pathogenic (1); Likely pathogenic (1). Last evaluated 2026-04-22.

Conditions:
Intellectual developmental disorder, autosomal dominant 68 (MRD68). Also called: MENTAL RETARDATION, AUTOSOMAL DOMINANT 68. Identifiers: MedGen C5677008, MONDO:0030969, OMIM 619934.
Dystonia 28, childhood-onset (DYT28). Also called: KMT2B-Related Dystonia (DYT-KMT2B). Identifiers: Orphanet 589618, MedGen C4310633, MONDO:0015004, OMIM 617284.
Paediatric disorders.

Submissions (2):

NHS Central & South Genomic Laboratory Hub
Classification: Pathogenic for Paediatric disorders. Last evaluated: 2026-04-22. Review status: criteria provided, single submitter. Criteria: ACMG Guidelines, 2015. Collection method: clinical testing. Allele origin: germline. Affected: yes.

Juno Genomics, Hangzhou Juno Genomics, Inc
Classification: Likely pathogenic for Dystonia 28, childhood-onset; Intellectual developmental disorder, autosomal dominant 68. Review status: criteria provided, single submitter. Criteria: ACMG Guidelines, 2015. Collection method: clinical testing. Allele origin: germline. Affected: yes.
Comment: Absent from controls (or at extremely low frequency if recessive) in Genome Aggregation Database.;Null variant in a gene where loss of function (LOF) is a known mechanism of disease.